The following is an entry in ClinVar:

NM_003242.6(TGFBR2):c.254T>A (p.Val85Glu)

Gene: TGFBR2 (transforming growth factor beta receptor 2; plus strand). Cytogenetic location: 3p24.1.
Variant type: single nucleotide variant.
Coding change: c.254T>A on transcript NM_003242.6 (MANE Select); coding-DNA position 254, T replaced by A.
Protein change: p.Val85Glu; replaces valine 85 with glutamic acid.
Molecular consequence: missense variant. On other transcripts: intron variant (2).
Genome position (GRCh38, 1-based): chr3:30,644,906, T>A. VCF-style: chr3-30644906-T-A. GRCh37 (hg19) VCF-style: chr3-30686398-T-A.
Other names: c.329T>A, p.Val110Glu (NM_001024847.3, NM_001407126.1, NM_001407139.1); c.254T>A, p.Val85Glu (NM_001407127.1, NM_001407130.1); c.281T>A, p.Val94Glu (NM_001407128.1); c.149T>A, p.Val50Glu (NM_001407129.1, NM_001407132.1, NM_001407133.1 and 3 more transcripts); c.169+21633T>A (NM_001407137.1); c.95-26732T>A (NM_001407138.1); short protein forms V110E, V50E, V85E, V94E.
Identifiers: ClinVar variation 3893694 (VCV003893694.1).

ClinVar aggregate classification (germline): Uncertain significance (1 of 4 stars; one submission).

Conditions:
Familial thoracic aortic aneurysm and aortic dissection (TAAD). Also called: Thoracic aortic aneurysms and dissections. Identifiers: Orphanet 91387, MedGen C4707243, MONDO:0019625.

gnomAD v4.1: 1 of 1,614,136 alleles (0.000062%); highest among the groups gnomAD compares: Non-Finnish European, 0.000085%; no homozygotes.

Submission:

Color Diagnostics, LLC DBA Color Health
Classification: Uncertain significance for Familial thoracic aortic aneurysm and aortic dissection. Last evaluated: 2024-03-18. Review status: criteria provided, single submitter. Criteria: ACMG Guidelines, 2015. Collection method: clinical testing. Allele origin: germline.
Comment: This missense variant replaces valine with glutamic acid at codon 85 of the TGFBR2 protein. Computational prediction is inconclusive regarding the impact of this variant on protein structure and function (internally defined REVEL score threshold 0.5 < inconclusive < 0.7, PMID: 27666373). To our knowledge, functional studies have not been reported for this variant. This variant has not been reported in individuals affected with TGFBR2-related disorders in the literature. This variant has not been identified in the general population by the Genome Aggregation Database (gnomAD). The available evidence is insufficient to determine the role of this variant in disease conclusively. Therefore, this variant is classified as a Variant of Uncertain Significance.